The following is an entry in ClinVar:

ClinVar aggregate classification (germline): Uncertain significance. Review status: criteria provided, multiple submitters, no conflicts (2 of 4 stars). 2 submissions from 2 submitters: Uncertain significance (2). Last evaluated 2024-10-28.

Conditions:
PCNT-related disorder. Also called: PCNT-related condition.

Allele frequency attached by ClinVar (database versions not stated): gnomAD exomes below 0.00001; TOPMed below 0.00001; ExAC 0.00001; gnomAD 0.00001.
gnomAD v4.1: 8 of 1,614,008 alleles (0.0005%); highest among the groups gnomAD compares: Admixed American, 0.0017%; no homozygotes.

Submissions (2):

Labcorp Genetics (formerly Invitae), Labcorp
Classification: Uncertain significance. Last evaluated: 2024-10-28. Review status: criteria provided, single submitter. Criteria: Invitae Variant Classification Sherloc (09022015). Collection method: clinical testing. Allele origin: germline.
Comment: This sequence change replaces glutamic acid, which is acidic and polar, with lysine, which is basic and polar, at codon 1426 of the PCNT protein (p.Glu1426Lys). This variant is present in population databases (rs763901120, gnomAD 0.003%). This variant has not been reported in the literature in individuals affected with PCNT-related conditions. ClinVar contains an entry for this variant (Variation ID: 1961084). An algorithm developed to predict the effect of missense changes on protein structure and function (PolyPhen-2) suggests that this variant is likely to be disruptive. In summary, the available evidence is currently insufficient to determine the role of this variant in disease. Therefore, it has been classified as a Variant of Uncertain Significance.

PreventionGenetics, part of Exact Sciences
Classification: Uncertain significance for PCNT-related condition. Last evaluated: 2023-10-03. Review status: criteria provided, single submitter. Criteria: ACMG Guidelines, 2015. Collection method: clinical testing. Allele origin: germline.
Comment: The PCNT c.4276G>A variant is predicted to result in the amino acid substitution p.Glu1426Lys. To our knowledge, this variant has not been reported in the literature. This variant is reported in 0.0029% of alleles in individuals of Latino descent in gnomAD. At this time, the clinical significance of this variant is uncertain due to the absence of conclusive functional and genetic evidence.

NM_006031.6(PCNT):c.4276G>A (p.Glu1426Lys)

Gene: PCNT (pericentrin; plus strand). Cytogenetic location: 21q22.3.
Variant type: single nucleotide variant.
Coding change: c.4276G>A on transcript NM_006031.6 (MANE Select); coding-DNA position 4276, G replaced by A.
Protein change: p.Glu1426Lys; replaces glutamic acid 1426 with lysine.
Molecular consequence: missense variant.
Genome position (GRCh38, 1-based): chr21:46,397,324, G>A. VCF-style: chr21-46397324-G-A. GRCh37 (hg19) VCF-style: chr21-47817238-G-A.
Other names: c.4276G>A (NM_006031.5); c.3922G>A, p.Glu1308Lys (NM_001315529.2); short protein forms E1308K, E1426K.
Identifiers: ClinVar variation 1961084 (VCV001961084.5), dbSNP rs763901120, ClinGen allele CA10079594.